The following is an entry in ClinVar:

ClinVar aggregate classification (germline): Uncertain significance (1 of 4 stars; one submission).

Conditions:
Joubert syndrome. Also called: CEREBELLOPARENCHYMAL DISORDER IV; JOUBERT-BOLTSHAUSER SYNDROME; Familial aplasia of the vermis. Identifiers: Orphanet 475, MedGen C5979921, MONDO:0018772.
Meckel-Gruber syndrome. Also called: DYSENCEPHALIA SPLANCHNOCYSTICA; GRUBER SYNDROME; Dysencephalia splachnocystica. Identifiers: Orphanet 564, MedGen C0265215, MONDO:0018921.
Nephronophthisis. Also called: Juvenile Nephronophthisis. Identifiers: Orphanet 655, MedGen C0687120, MONDO:0019005, HP:0000090.

Submission:

Labcorp Genetics (formerly Invitae), Labcorp
Classification: Uncertain significance for Joubert syndrome; Meckel-Gruber syndrome; Nephronophthisis. Last evaluated: 2022-06-10. Review status: criteria provided, single submitter. Criteria: Invitae Variant Classification Sherloc (09022015). Collection method: clinical testing. Allele origin: germline.
Comment: This sequence change replaces glutamic acid, which is acidic and polar, with valine, which is neutral and non-polar, at codon 874 of the CEP290 protein (p.Glu874Val). This variant is not present in population databases (gnomAD no frequency). This variant has not been reported in the literature in individuals affected with CEP290-related conditions. Algorithms developed to predict the effect of missense changes on protein structure and function are either unavailable or do not agree on the potential impact of this missense change (SIFT: "Deleterious"; PolyPhen-2: "Possibly Damaging"; Align-GVGD: "Class C0"). In summary, the available evidence is currently insufficient to determine the role of this variant in disease. Therefore, it has been classified as a Variant of Uncertain Significance.

NM_025114.4(CEP290):c.2621A>T (p.Glu874Val)

Gene: CEP290 (centrosomal protein 290; minus strand). Cytogenetic location: 12q21.32.
Variant type: single nucleotide variant.
Coding change: c.2621A>T on transcript NM_025114.4 (MANE Select); coding-DNA position 2621, A replaced by T.
Protein change: p.Glu874Val; replaces glutamic acid 874 with valine.
Molecular consequence: missense variant.
Genome position (GRCh38, 1-based): chr12:88,106,871, T>A on the plus strand (A>T on the coding strand, the complement: CEP290 is on the minus strand). VCF-style: chr12-88106871-T-A. GRCh37 (hg19) VCF-style: chr12-88500648-T-A.
Other names: short protein forms E874V.
Identifiers: ClinVar variation 1987716 (VCV001987716.1), dbSNP rs2500622437, ClinGen allele CA385971499.